The following is an entry in ClinVar:

ClinVar aggregate classification (germline): Conflicting classifications of pathogenicity. Review status: criteria provided, conflicting classifications (1 of 4 stars). 2 submissions from 2 submitters: Uncertain significance (1); Likely benign (1). Last evaluated 2025-09-20.

Conditions:
Hereditary cancer-predisposing syndrome. Also called: Hereditary neoplastic syndrome; Neoplastic Syndromes, Hereditary; Tumor predisposition; Hereditary Cancer Syndrome. Identifiers: Orphanet 140162, MedGen C0027672, MeSH D009386, MONDO:0015356.
Tuberous sclerosis 2 (TSC2). Identifiers: Orphanet 805, MedGen C1860707, MONDO:0013199, OMIM 613254.

Allele frequency attached by ClinVar (database versions not stated): gnomAD exomes below 0.00001; TOPMed below 0.00001; gnomAD 0.00001.
gnomAD v4.1: 4 of 1,612,196 alleles (0.00025%); highest among the groups gnomAD compares: Non-Finnish European, 0.00034%; no homozygotes.

Submissions (2):

Labcorp Genetics (formerly Invitae), Labcorp
Classification: Likely benign for Tuberous sclerosis 2. Last evaluated: 2025-09-20. Review status: criteria provided, single submitter. Criteria: Invitae Variant Classification Sherloc (09022015). Collection method: clinical testing. Allele origin: germline.

Ambry Genetics
Classification: Uncertain significance for Hereditary cancer-predisposing syndrome. Last evaluated: 2023-06-14. Review status: criteria provided, single submitter. Criteria: Ambry Variant Classification Scheme 2023. Collection method: clinical testing. Allele origin: germline.
Comment: The c.2966+4G>T intronic variant results from a G to T substitution 4 nucleotides after coding exon 25 in the TSC2 gene. This nucleotide position is highly conserved in available vertebrate species. In silico splice site analysis predicts that this alteration will not have any significant effect on splicing. Since supporting evidence is limited at this time, the clinical significance of this alteration remains unclear.

NM_000548.5(TSC2):c.2966+4G>T

Gene: TSC2 (TSC complex subunit 2; plus strand). Cytogenetic location: 16p13.3.
Variant type: single nucleotide variant.
Coding change: c.2966+4G>T on transcript NM_000548.5 (MANE Select); 4 bases into the intron after coding-DNA position 2966, G replaced by T.
Molecular consequence: intron variant.
Genome position (GRCh38, 1-based): chr16:2,077,730, G>T. VCF-style: chr16-2077730-G-T. GRCh37 (hg19) VCF-style: chr16-2127731-G-T.
Other names: c.2966+4G>T (NM_001114382.3); c.2837+1145G>T (NM_021055.3, NM_001370405.1, NM_001363528.2 and 2 more transcripts); c.2726+1145G>T (NM_001318827.2); c.2237+1145G>T (NM_001318831.2); c.2690+1145G>T (NM_001318829.2); c.2870+1145G>T (NM_001318832.2).
Identifiers: ClinVar variation 467981 (VCV000467981.11), dbSNP rs1235253082, ClinGen allele CA620377268.